The following is an entry in ClinVar:

ClinVar aggregate classification (germline): Likely benign (1 of 4 stars; one submission).

Conditions:
Retinitis pigmentosa (RP). Identifiers: Orphanet 791, MedGen C0035334, MeSH D012174, MONDO:0019200, OMIM 268000. Inheritance: Autosomal dominant, autosomal recessive and X linked inheritance.

Allele frequency attached by ClinVar (database versions not stated): 1000 Genomes Project 0.00100; 1000 Genomes Project 30x 0.00125; gnomAD 0.00142 and 0.00156; TOPMed 0.00165.

Submission:

Illumina Laboratory Services, Illumina
Classification: Likely benign for Retinitis pigmentosa. Last evaluated: 2018-01-12. Review status: criteria provided, single submitter. Criteria: ICSL Variant Classification Criteria 13 December 2019. Collection method: clinical testing. Allele origin: germline.
Comment: This variant was observed in the ICSL laboratory as part of a predisposition screen in an ostensibly healthy population. It had not been previously curated by ICSL or reported in the Human Gene Mutation Database (HGMD: prior to June 1st, 2018), and was therefore a candidate for classification through an automated scoring system. Utilizing variant allele frequency, disease prevalence and penetrance estimates, and inheritance mode, an automated score was calculated to assess if this variant is too frequent to cause the disease. Based on the score and internal cut-off values, a variant classified as likely benign is not then subjected to further curation. The score for this variant resulted in a classification of likely benign for this disease.

NM_004698.4(PRPF3):c.*149C>G

Gene: PRPF3 (pre-mRNA processing factor 3; plus strand). Cytogenetic location: 1q21.2.
Variant type: single nucleotide variant.
Coding change: c.*149C>G on transcript NM_004698.4 (MANE Select); 149 bases downstream of the stop codon, C replaced by G.
Molecular consequence: 3 prime UTR variant. On other transcripts: non-coding transcript variant (4).
Genome position (GRCh38, 1-based): chr1:150,353,128, C>G. VCF-style: chr1-150353128-C-G. GRCh37 (hg19) VCF-style: chr1-150325604-C-G.
Other names: c.*149C>G (NM_001350529.1).
Identifiers: ClinVar variation 875230 (VCV000875230.4), dbSNP rs181436852, ClinGen allele CA30032223.